The following is an entry in ClinVar:

ClinVar aggregate classification (germline): Likely benign. Review status: criteria provided, multiple submitters, no conflicts (2 of 4 stars). 3 submissions from 3 submitters: Likely benign (3). Last evaluated 2026-02-01.

Conditions:
LITAF-related disorder. Also called: LITAF-related condition.
Charcot-Marie-Tooth disease type 1C. Also called: CHARCOT-MARIE-TOOTH NEUROPATHY, TYPE 1C; NEUROPATHY, HEREDITARY MOTOR AND SENSORY, TYPE IC; CHARCOT-MARIE-TOOTH DISEASE, DEMYELINATING, TYPE 1C; CMT, SLOW NERVE CONDUCTION TYPE C; Charcot-Marie-Tooth disease, type IC; HMSN IC. Identifiers: Orphanet 101083, MedGen C0270913, MONDO:0010995, OMIM 601098.

Allele frequency attached by ClinVar (database versions not stated): gnomAD 0.00003; TOPMed 0.00003; ESP Exome Variant Server 0.00008; ExAC 0.00010.
gnomAD v4.1: 107 of 1,613,964 alleles (0.0066%); highest among the groups gnomAD compares: Middle Eastern, 0.033%; no homozygotes.

Submissions (3):

CeGaT Center for Human Genetics Tuebingen
Classification: Likely benign. Last evaluated: 2026-02-01. Review status: criteria provided, single submitter. Criteria: CeGaT Center For Human Genetics Tuebingen Variant Classification Criteria Version 2. Collection method: clinical testing. Allele origin: germline. Affected: yes. Observed: 1 variant allele.
Comment: LITAF: BP4, BP7

Labcorp Genetics (formerly Invitae), Labcorp
Classification: Likely benign for Charcot-Marie-Tooth disease type 1C. Last evaluated: 2025-10-13. Review status: criteria provided, single submitter. Criteria: Invitae Variant Classification Sherloc (09022015). Collection method: clinical testing. Allele origin: germline.

PreventionGenetics, part of Exact Sciences
Classification: Likely benign for LITAF-related condition. Last evaluated: 2025-10-09. Review status: criteria provided, single submitter. Criteria: ACMG Guidelines, 2015. Collection method: clinical testing. Allele origin: germline.
Comment: This variant is classified as likely benign based on ACMG/AMP sequence variant interpretation guidelines (Richards et al. 2015 PMID: 25741868, with internal and published modifications).

NM_001136472.2(LITAF):c.225C>T (p.Thr75=)

Gene: LITAF (lipopolysaccharide induced TNF factor; minus strand). Cytogenetic location: 16p13.13.
Variant type: single nucleotide variant.
Coding change: c.225C>T on transcript NM_001136472.2 (MANE Select); coding-DNA position 225, C replaced by T.
Protein change: p.Thr75=; no amino-acid change (threonine 75 retained).
Molecular consequence: synonymous variant. On other transcripts: non-coding transcript variant (1).
Genome position (GRCh38, 1-based): chr16:11,553,685, G>A on the plus strand (C>T on the coding strand, the complement: LITAF is on the minus strand). VCF-style: chr16-11553685-G-A. GRCh37 (hg19) VCF-style: chr16-11647541-G-A.
Other names: c.225C>T, p.Thr75= (NM_001136473.1, NM_004862.4); c.225C>T (NM_004862.3).
Identifiers: ClinVar variation 1127163 (VCV001127163.14), dbSNP rs373639052, ClinGen allele CA7904107.